The following is an entry in ClinVar:

NM_001754.5(RUNX1):c.764A>G (p.His255Arg)

Gene: RUNX1 (RUNX family transcription factor 1; minus strand). Cytogenetic location: 21q22.12.
Variant type: single nucleotide variant.
Coding change: c.764A>G on transcript NM_001754.5 (MANE Select); coding-DNA position 764, A replaced by G.
Protein change: p.His255Arg; replaces histidine 255 with arginine.
Molecular consequence: missense variant.
Genome position (GRCh38, 1-based): chr21:34,834,451, T>C on the plus strand (A>G on the coding strand, the complement: RUNX1 is on the minus strand). VCF-style: chr21-34834451-T-C. GRCh37 (hg19) VCF-style: chr21-36206748-T-C.
Other names: NM_001754.5(RUNX1):c.764A>G; p.His255Arg; c.683A>G, p.His228Arg (NM_001001890.3, NM_001122607.2); short protein forms H255R, H228R.
Identifiers: ClinVar variation 567760 (VCV000567760.17), dbSNP rs746977462, ClinGen allele CA10014361.

ClinVar aggregate classification (germline): Likely benign. Review status: reviewed by expert panel (3 of 4 stars). 6 submissions from 6 submitters: Likely benign (1). 5 of the submissions do not count toward it. Last evaluated 2024-08-28.

Conditions:
Hereditary thrombocytopenia and hematological cancer predisposition syndrome associated with RUNX1. Also called: PLATELET DISORDER, ASPIRIN-LIKE; Familial thrombocytopenia with propensity to acute myelogenous leukemia; Familial Platelet Disorder with Propensity to Acute Myelogenous Leukemia; RUNX1 Familial Platelet Disorder with Associated Myeloid Malignancies. Identifiers: Orphanet 71290, MedGen C1832388, MeSH C563324, MONDO:0100083, OMIM 601399.
Hereditary thrombocytopenia and hematologic cancer predisposition syndrome. Identifiers: Orphanet 71290, MedGen CN281654, MONDO:0011071.
Inborn genetic diseases. Identifiers: MedGen C0950123, MeSH D030342.
Acute myeloid leukemia (AML). Also called: Leukemia, acute myeloid, somatic; Leukemia, acute myelogenous, somatic; Acute myeloid leukemia, adult; AML adult; Acute non-lymphocytic leukemia; Acute granulocytic leukemia. Identifiers: Orphanet 519, MedGen C0023467, MeSH D015470, MONDO:0018874, OMIM 601626, HP:0004808. Disease mechanism: Constitutively activated FLT3.

Allele frequency attached by ClinVar (database versions not stated): ExAC 0.00001; gnomAD 0.00001; gnomAD exomes 0.00001; TOPMed 0.00002.
gnomAD v4.1: 6 of 1,607,688 alleles (0.00037%); highest among the groups gnomAD compares: East Asian, 0.013%; no homozygotes.

Submissions (6):

ClinGen Myeloid Malignancy Variant Curation Expert Panel
Classification: Likely benign for Hereditary thrombocytopenia and hematologic cancer predisposition syndrome. Last evaluated: 2024-08-28. Review status: reviewed by expert panel. Criteria: ClinGen MyeloMalig ACMG Specifications v2. Collection method: curation. Allele origin: germline. Inheritance: Autosomal dominant inheritance.
Comment: NM_001754.5(RUNX1):c.764A>G (p.His255Arg) is a missense variant with a MAF of 0.0003937 (0.03937%, 2/5080, 2 alleles) in the East Asian subpopulation of the gnomAD v3.1.2 cohort, which is between 0.00015 (0.015%) and 0.0015 (0.15%) (BS1). This missense variant has a REVEL score < 0.50 (0.483) and a SpliceAI score ≤ 0.20 (0.01) (BP4). This variant has been reported in one proband meeting at least one of the RUNX1-phenotypic criteria (PS4_supporting; PMID: 31034769). In summary, this variant meets criteria to be classified as likely benign. ACMG/AMP criteria applied, as specified by the Myeloid Malignancy Variant Curation Expert Panel for RUNX1: BS1, BP4, PS4_supporting.

Labcorp Genetics (formerly Invitae), Labcorp
Classification: Uncertain significance for Hereditary thrombocytopenia and hematological cancer predisposition syndrome associated with RUNX1. Last evaluated: 2025-11-03. Review status: criteria provided, single submitter. Criteria: Invitae Variant Classification Sherloc (09022015). Collection method: clinical testing. Allele origin: germline. Not counted in ClinVar's aggregate classification.
Comment: This sequence change replaces histidine, which is basic and polar, with arginine, which is basic and polar, at codon 255 of the RUNX1 protein (p.His255Arg). This variant is present in population databases (rs746977462, gnomAD 0.02%). This missense change has been observed in individual(s) with thrombocytopenia and/or leukemia (PMID: 31034769). It has also been observed to segregate with disease in related individuals. ClinVar contains an entry for this variant (Variation ID: 567760). Invitae Evidence Modeling of protein sequence and biophysical properties (such as structural, functional, and spatial information, amino acid conservation, physicochemical variation, residue mobility, and thermodynamic stability) has been performed for this missense variant. However, the output from this modeling did not meet the statistical confidence thresholds required to predict the impact of this variant on RUNX1 protein function. In summary, the available evidence is currently insufficient to determine the role of this variant in disease. Therefore, it has been classified as a Variant of Uncertain Significance.

Ambry Genetics
Classification: Uncertain significance for Inborn genetic diseases. Last evaluated: 2025-10-31. Review status: criteria provided, single submitter. Criteria: Ambry Variant Classification Scheme 2023. Collection method: clinical testing. Allele origin: germline. Not counted in ClinVar's aggregate classification.
Comment: The p.H255R variant (also known as c.764A>G), located in coding exon 6 of the RUNX1 gene, results from an A to G substitution at nucleotide position 764. The histidine at codon 255 is replaced by arginine, an amino acid with highly similar properties. This variant was reported in individual(s) with features consistent with RUNX1 familial platelet disorder with associated myeloid malignancies (Tian Y et al. Int J Lab Hematol, 2019 Dec;41:e128-e129). This amino acid position is highly conserved in available vertebrate species. In addition, this alteration is predicted to be deleterious by in silico analysis. Based on the available evidence, the clinical significance of this variant remains unclear.

Blueprint Genetics
Classification: Uncertain significance. Last evaluated: 2024-06-29. Review status: criteria provided, single submitter. Criteria: ACMG Guidelines, 2015. Collection method: clinical testing. Allele origin: germline. Not counted in ClinVar's aggregate classification.

Fulgent Genetics
Classification: Uncertain significance for Hereditary thrombocytopenia and hematological cancer predisposition syndrome associated with RUNX1; Acute myeloid leukemia. Last evaluated: 2021-10-21. Review status: criteria provided, single submitter. Criteria: ACMG Guidelines, 2015. Collection method: clinical testing. Allele origin: unknown. Not counted in ClinVar's aggregate classification.

Illumina Laboratory Services, Illumina
Classification: Uncertain significance for Hereditary thrombocytopenia and hematological cancer predisposition syndrome associated with RUNX1. Last evaluated: 2018-01-13. Review status: criteria provided, single submitter. Criteria: ICSL Variant Classification Criteria 13 December 2019. Collection method: clinical testing. Allele origin: germline. Not counted in ClinVar's aggregate classification.

Literature cited by the submitters: PubMed 31034769 (cited by Labcorp Genetics (formerly Invitae), Labcorp and Ambry Genetics).